The following is an entry in ClinVar:

ClinVar aggregate classification (germline): Uncertain significance (1 of 4 stars; one submission).

Conditions:
Autosomal dominant nocturnal frontal lobe epilepsy 5. Also called: KCNT1-Related Epilepsy; CILIARY DYSKINESIA, PRIMARY, 28, WITHOUT SITUS INVERSUS; CILIARY DYSKINESIA, PRIMARY, 28, WITH SITUS INVERSUS; Epilepsy, nocturnal frontal lobe, 5. Identifiers: Orphanet 98784, MedGen C3554306, MONDO:0014002, OMIM 615005.
Developmental and epileptic encephalopathy, 14 (DEE14). Also called: Early infantile epileptic encephalopathy 14. Identifiers: Orphanet 293181, MedGen C3554195, MONDO:0013989, OMIM 614959.

Submission:

Labcorp Genetics (formerly Invitae), Labcorp
Classification: Uncertain significance for Autosomal dominant nocturnal frontal lobe epilepsy 5; Developmental and epileptic encephalopathy, 14. Last evaluated: 2025-01-19. Review status: criteria provided, single submitter. Criteria: Invitae Variant Classification Sherloc (09022015). Collection method: clinical testing. Allele origin: germline.
Comment: This sequence change replaces threonine, which is neutral and polar, with arginine, which is basic and polar, at codon 1233 of the KCNT1 protein (p.Thr1233Arg). This variant is not present in population databases (gnomAD no frequency). This variant has not been reported in the literature in individuals affected with KCNT1-related conditions. Invitae Evidence Modeling of protein sequence and biophysical properties (such as structural, functional, and spatial information, amino acid conservation, physicochemical variation, residue mobility, and thermodynamic stability) indicates that this missense variant is not expected to disrupt KCNT1 protein function with a negative predictive value of 95%. In summary, the available evidence is currently insufficient to determine the role of this variant in disease. Therefore, it has been classified as a Variant of Uncertain Significance.

NM_020822.3(KCNT1):c.3698C>G (p.Thr1233Arg)

Gene: KCNT1 (potassium sodium-activated channel subfamily T member 1; plus strand). Cytogenetic location: 9q34.3.
Variant type: single nucleotide variant.
Coding change: c.3698C>G on transcript NM_020822.3 (MANE Select); coding-DNA position 3698, C replaced by G.
Protein change: p.Thr1233Arg; replaces threonine 1233 with arginine.
Molecular consequence: missense variant.
Genome position (GRCh38, 1-based): chr9:135,792,151, C>G. VCF-style: chr9-135792151-C-G. GRCh37 (hg19) VCF-style: chr9-138683997-C-G.
Other names: c.3626C>G, p.Thr1209Arg (NM_001272003.2); short protein forms T1209R, T1233R.
Identifiers: ClinVar variation 3751445 (VCV003751445.2).
Genomic context (GRCh38, chr9:135,792,151, plus strand): 5'-GCCGGAAGAGCAGCTGCAGCCACAAGCTGTCGTCCTGCAACCCCGAGACTCGCGACGAGA[C>G]ACAGCTCTGAGCCAGCCCTGCACGGAGCTCAGGCCACCAAGCCCGGGGTCCTCAGGAAGG-3'
Protein context (NP_065873.2, residues 1223-1235): SSCNPETRDE[Thr1233Arg]QL